The following is an entry in ClinVar:

ClinVar aggregate classification (germline): Uncertain significance. Review status: criteria provided, multiple submitters, no conflicts (2 of 4 stars). 2 submissions from 2 submitters: Uncertain significance (2). Last evaluated 2026-03-25.

Conditions:
Hereditary cancer-predisposing syndrome. Also called: Neoplastic Syndromes, Hereditary; Hereditary neoplastic syndrome; Hereditary Cancer Syndrome; Tumor predisposition. Identifiers: Orphanet 140162, MedGen C0027672, MeSH D009386, MONDO:0015356.
Pheochromocytoma. Also called: MAX-Related Hereditary Paraganglioma-Pheochromocytoma Syndrome. Identifiers: Orphanet 29072, MedGen C0031511, MONDO:0008233, OMIM 171300, HP:0002666.
Gastrointestinal stromal tumor. Also called: Gastrointestinal stromal tumor, somatic; Gastrointestinal stroma tumor. Identifiers: Orphanet 44890, MedGen C0238198, MeSH D046152, MONDO:0011719, OMIM 606764, HP:0100723.
Pheochromocytoma/paraganglioma syndrome 4. Also called: SDHB-Related Hereditary Paraganglioma-Pheochromocytoma Syndrome (Paragangliomas 4); SDHB-Related Hereditary Paraganglioma-Pheochromocytoma Syndrome; CAROTID BODY TUMORS AND MULTIPLE EXTRAADRENAL PHEOCHROMOCYTOMAS; PARAGANGLIOMA, FAMILIAL MALIGNANT; PARAGANGLIOMAS, HEREDITARY EXTRAADRENAL; PHEOCHROMOCYTOMA, FAMILIAL EXTRAADRENAL. Identifiers: Orphanet 29072, MedGen C1861848, MONDO:0007273, OMIM 115310.

Allele frequency attached by ClinVar (database versions not stated): gnomAD exomes below 0.00001.
gnomAD v4.1: 1 of 1,614,116 alleles (0.000062%); highest among the groups gnomAD compares: South Asian, 0.0011%; no homozygotes.

Submissions (2):

Ambry Genetics
Classification: Uncertain significance for Hereditary cancer-predisposing syndrome. Last evaluated: 2026-03-25. Review status: criteria provided, single submitter. Criteria: Ambry Variant Classification Scheme 2023. Collection method: clinical testing. Allele origin: germline.
Comment: The p.Y45C variant (also known as c.134A>G), located in coding exon 2 of the SDHB gene, results from an A to G substitution at nucleotide position 134. The tyrosine at codon 45 is replaced by cysteine, an amino acid with highly dissimilar properties. This amino acid position is highly conserved in available vertebrate species. In addition, this alteration is predicted to be deleterious by in silico analysis. Based on the available evidence, the clinical significance of this variant remains unclear.

Labcorp Genetics (formerly Invitae), Labcorp
Classification: Uncertain significance for Gastrointestinal stromal tumor; Pheochromocytoma/paraganglioma syndrome 4; Pheochromocytoma. Last evaluated: 2024-04-13. Review status: criteria provided, single submitter. Criteria: Invitae Variant Classification Sherloc (09022015). Collection method: clinical testing. Allele origin: germline.
Comment: This sequence change replaces tyrosine, which is neutral and polar, with cysteine, which is neutral and slightly polar, at codon 45 of the SDHB protein (p.Tyr45Cys). This variant is not present in population databases (gnomAD no frequency). This variant has not been reported in the literature in individuals affected with SDHB-related conditions. ClinVar contains an entry for this variant (Variation ID: 1952317). Advanced modeling of protein sequence and biophysical properties (such as structural, functional, and spatial information, amino acid conservation, physicochemical variation, residue mobility, and thermodynamic stability) performed at Invitae indicates that this missense variant is expected to disrupt SDHB protein function with a positive predictive value of 80%. In summary, the available evidence is currently insufficient to determine the role of this variant in disease. Therefore, it has been classified as a Variant of Uncertain Significance.

NM_003000.3(SDHB):c.134A>G (p.Tyr45Cys)

Gene: SDHB (succinate dehydrogenase complex iron sulfur subunit B; minus strand). Cytogenetic location: 1p36.13.
Variant type: single nucleotide variant.
Coding change: c.134A>G on transcript NM_003000.3 (MANE Select); coding-DNA position 134, A replaced by G.
Protein change: p.Tyr45Cys; replaces tyrosine 45 with cysteine.
Molecular consequence: missense variant.
Genome position (GRCh38, 1-based): chr1:17,044,827, T>C on the plus strand (A>G on the coding strand, the complement: SDHB is on the minus strand). VCF-style: chr1-17044827-T-C. GRCh37 (hg19) VCF-style: chr1-17371322-T-C.
Other names: c.134A>G, p.Tyr45Cys (NM_001407361.1); short protein forms Y45C.
Identifiers: ClinVar variation 1952317 (VCV001952317.7), dbSNP rs2525059811, ClinGen allele CA338228108.